The following is an entry in ClinVar:

ClinVar aggregate classification (germline): Uncertain significance. Review status: criteria provided, single submitter (1 of 4 stars). 2 submissions from 2 submitters: Uncertain significance (1). 1 of the submissions does not count toward it. Last evaluated 2024-04-11.

Conditions:
Niemann-Pick disease, type C1. Also called: NEUROVISCERAL STORAGE DISEASE WITH VERTICAL SUPRANUCLEAR OPHTHALMOPLEGIA; NIEMANN-PICK DISEASE WITH CHOLESTEROL ESTERIFICATION BLOCK; NIEMANN-PICK DISEASE WITHOUT SPHINGOMYELINASE DEFICIENCY; NIEMANN-PICK DISEASE, CHRONIC NEURONOPATHIC FORM; NIEMANN-PICK DISEASE, VARIANT TYPE C1. Identifiers: Orphanet 646, MedGen C3179455, MONDO:0009757, OMIM 257220.

Submissions (2):

Women's Health and Genetics/Laboratory Corporation of America, LabCorp
Classification: Uncertain significance. Last evaluated: 2024-04-11. Review status: criteria provided, single submitter. Criteria: LabCorp Variant Classification Summary - May 2015. Collection method: clinical testing. Allele origin: germline.
Comment: Variant summary: NPC1 c.2018G>T (p.Gly673Val) results in a non-conservative amino acid change located in the Sterol-sensing domain (IPR000731) of the encoded protein sequence. Five of five in-silico tools predict a damaging effect of the variant on protein function. The variant was absent in 251388 control chromosomes. The available data on variant occurrences in the general population are insufficient to allow any conclusion about variant significance. c.2018G>T has been reported in the literature in individuals affected with Niemann-Pick Disease Type C (Garver_2010, Park_2003). These data do not allow any conclusion about variant significance. To our knowledge, no experimental evidence demonstrating an impact on protein function has been reported. The following publications have been ascertained in the context of this evaluation (PMID: 19744920, 12955717). ClinVar contains an entry for this variant (Variation ID: 554148). Based on the evidence outlined above, the variant was classified as uncertain significance.

Counsyl
Classification: Uncertain significance for Niemann-Pick disease, type C1. Last evaluated: 2017-09-27. Review status: no assertion criteria provided. Collection method: clinical testing. Allele origin: unknown. Not counted in ClinVar's aggregate classification.

Literature cited by the submitters: PubMed 19744920 (cited by Women's Health and Genetics/Laboratory Corporation of America, LabCorp and Counsyl); PubMed 12955717 (cited by Women's Health and Genetics/Laboratory Corporation of America, LabCorp and Counsyl); PubMed 28193631 (cited by Counsyl).

NM_000271.5(NPC1):c.2018G>T (p.Gly673Val)

Gene: NPC1 (NPC intracellular cholesterol transporter 1; minus strand). Cytogenetic location: 18q11.2.
Variant type: single nucleotide variant.
Coding change: c.2018G>T on transcript NM_000271.5 (MANE Select); coding-DNA position 2018, G replaced by T.
Protein change: p.Gly673Val; replaces glycine 673 with valine.
Molecular consequence: missense variant.
Genome position (GRCh38, 1-based): chr18:23,544,456, C>A on the plus strand (G>T on the coding strand, the complement: NPC1 is on the minus strand). VCF-style: chr18-23544456-C-A. GRCh37 (hg19) VCF-style: chr18-21124420-C-A.
Other names: short protein forms G673V.
Identifiers: ClinVar variation 554148 (VCV000554148.3), dbSNP rs1555634452, ClinGen allele CA401771528.